The following is an entry in ClinVar:

ClinVar aggregate classification (germline): Uncertain significance (1 of 4 stars; one submission).

Allele frequency attached by ClinVar (database versions not stated): gnomAD 0.00001; TOPMed 0.00002.
gnomAD v4.1: 3 of 1,612,106 alleles (0.00019%); highest among the groups gnomAD compares: African/African-American, 0.004%; no homozygotes.

Submission:

GeneDx
Classification: Uncertain significance. Last evaluated: 2023-01-29. Review status: criteria provided, single submitter. Criteria: GeneDx Variant Classification Process June 2021. Collection method: clinical testing. Allele origin: germline. Affected: yes.
Comment: In silico analysis supports that this missense variant does not alter protein structure/function; Has not been previously published as pathogenic or benign to our knowledge

NM_007327.4(GRIN1):c.845G>A (p.Ser282Asn)

Gene: GRIN1 (glutamate ionotropic receptor NMDA type subunit 1; plus strand). Cytogenetic location: 9q34.3.
Variant type: single nucleotide variant.
Coding change: c.845G>A on transcript NM_007327.4 (MANE Select); coding-DNA position 845, G replaced by A.
Protein change: p.Ser282Asn; replaces serine 282 with asparagine.
Molecular consequence: missense variant.
Genome position (GRCh38, 1-based): chr9:137,156,914, G>A. VCF-style: chr9-137156914-G-A. GRCh37 (hg19) VCF-style: chr9-140051366-G-A.
Other names: c.845G>A, p.Ser282Asn (NM_000832.7, NM_021569.4); c.908G>A, p.Ser303Asn (NM_001185090.2, NM_001185091.2); short protein forms S282N, S303N.
Identifiers: ClinVar variation 2574504 (VCV002574504.1), dbSNP rs1320100124, ClinGen allele CA375715001.
Genomic context (GRCh38, chr9:137,156,914, plus strand): 5'-CTCGCCTAGGCATCCTCGGGCTGCAGCTCATCAACGGCAAGAACGAGTCGGCCCACATCA[G>A]CGACGCCGTGGGCGTGGTGGCCCAGGCCGTGCACGAGCTCCTCGAGAAGGAGAACATCAC-3'
Protein context (NP_015566.1, residues 272-292): INGKNESAHI[Ser282Asn]DAVGVVAQAV